The following is an entry in ClinVar:

NM_138792.4(LEO1):c.620A>G (p.Glu207Gly)

Gene: LEO1 (LEO1 homolog, Paf1/RNA polymerase II complex component; minus strand). Cytogenetic location: 15q21.2.
Variant type: single nucleotide variant.
Coding change: c.620A>G on transcript NM_138792.4 (MANE Select); coding-DNA position 620, A replaced by G.
Protein change: p.Glu207Gly; replaces glutamic acid 207 with glycine.
Molecular consequence: missense variant.
Genome position (GRCh38, 1-based): chr15:51,965,943, T>C on the plus strand (A>G on the coding strand, the complement: LEO1 is on the minus strand). VCF-style: chr15-51965943-T-C. GRCh37 (hg19) VCF-style: chr15-52258140-T-C.
Other names: c.620A>G, p.Glu207Gly (NM_001286430.2, NM_001323903.2, NM_001323904.2 and 2 more transcripts); short protein forms E207G.
Identifiers: ClinVar variation 3766022 (VCV003766022.1).

ClinVar aggregate classification (germline): Uncertain significance (1 of 4 stars; one submission).

gnomAD v4.1: 1 of 1,614,102 alleles (0.000062%); highest among the groups gnomAD compares: Non-Finnish European, 0.000085%; no homozygotes.

Submission:

GeneDx
Classification: Uncertain significance. Last evaluated: 2024-09-03. Review status: criteria provided, single submitter. Criteria: GeneDx Variant Classification Process June 2021. Collection method: clinical testing. Allele origin: germline. Affected: yes.
Comment: Not observed at significant frequency in large population cohorts (gnomAD); In silico analysis indicates that this missense variant does not alter protein structure/function; Has not been previously published as pathogenic or benign to our knowledge